The following is an entry in ClinVar:

ClinVar aggregate classification (germline): Benign. Review status: reviewed by expert panel (3 of 4 stars). 15 submissions from 15 submitters: Benign (1). 14 of the submissions do not count toward it. Last evaluated 2015-08-10.

Conditions:
BRCA1-related disorder. Also called: BRCA1-related condition.
Hereditary cancer-predisposing syndrome. Also called: Tumor predisposition; Neoplastic Syndromes, Hereditary; Hereditary Cancer Syndrome; Hereditary neoplastic syndrome. Identifiers: Orphanet 140162, MedGen C0027672, MeSH D009386, MONDO:0015356.
Hereditary breast ovarian cancer syndrome. Also called: Hereditary breast and ovarian cancer syndrome (HBOC); Hereditary breast and ovarian cancer syndrome; Hereditary breast and ovarian cancer; Hereditary breast and/or ovarian cancer syndrome; Breast and ovarian cancer; BRCA1- and BRCA2-Associated Hereditary Breast and Ovarian Cancer. Identifiers: Orphanet 145, MedGen C0677776, MeSH D061325, MONDO:0003582. Disease mechanism: loss of function.
Breast-ovarian cancer, familial, susceptibility to, 1 (BROVCA1). Also called: OVARIAN CANCER, SUSCEPTIBILITY TO; BRCA1 Hereditary Breast and Ovarian Cancer. Identifiers: Orphanet 145, MedGen C2676676, MONDO:0011450, OMIM 604370. Disease mechanism: loss of function.
Familial cancer of breast. Also called: Hereditary breast cancer; hereditary breast carcinoma; BREAST CANCER, FAMILIAL. Identifiers: Orphanet 227535, MedGen C0346153, MONDO:0016419, OMIM 114480. Disease mechanism: loss of function.
Malignant tumor of breast. Also called: Malignant breast neoplasm; Cancer breast. Identifiers: MedGen C0006142, MONDO:0007254. Disease mechanism: loss of function.

Allele frequency attached by ClinVar (database versions not stated): ExAC 0.00011; gnomAD 0.00013; 1000 Genomes Project 0.00020; TOPMed 0.00026; 1000 Genomes Project 30x 0.00031; ESP Exome Variant Server 0.00031.
gnomAD v4.1: 76 of 1,614,112 alleles (0.0047%); highest among the groups gnomAD compares: African/African-American, 0.083%; no homozygotes.

Submissions (15):

Evidence-based Network for the Interpretation of Germline Mutant Alleles (ENIGMA)
Classification: Benign for Breast-ovarian cancer, familial 1. Last evaluated: 2015-08-10. Review status: reviewed by expert panel. Criteria: ENIGMA BRCA1/2 Classification Criteria (2015). Collection method: curation. Allele origin: germline.
Comment: IARC class based on posterior probability from multifactorial likelihood analysis, thresholds for class as per Plon et al. 2008 (PMID: 18951446). Class 1 based on posterior probability = 0.00000326

Labcorp Genetics (formerly Invitae), Labcorp
Classification: Benign for Hereditary breast ovarian cancer syndrome. Last evaluated: 2026-01-20. Review status: criteria provided, single submitter. Criteria: Invitae Variant Classification Sherloc (09022015). Collection method: clinical testing. Allele origin: germline. Not counted in ClinVar's aggregate classification.

Center for Genomic Medicine, Rigshospitalet, Copenhagen University Hospital
Classification: Benign. Last evaluated: 2025-03-04. Review status: criteria provided, single submitter. Criteria: ACMG Guidelines, 2015. Collection method: clinical testing. Allele origin: germline. Not counted in ClinVar's aggregate classification.

Sema4
Classification: Likely benign for Hereditary cancer-predisposing syndrome. Last evaluated: 2022-01-09. Review status: criteria provided, single submitter. Criteria: Sema4 Curation Guidelines. Collection method: curation. Allele origin: germline. Not counted in ClinVar's aggregate classification.

GeneDx
Classification: Likely benign. Last evaluated: 2021-03-08. Review status: criteria provided, single submitter. Criteria: GeneDx Variant Classification Process June 2021. Collection method: clinical testing. Allele origin: germline. Affected: yes. Not counted in ClinVar's aggregate classification.
Comment: This variant is associated with the following publications: (PMID: 16518693, 22753008, 21990134, 18951461, 24853695, 24728327, 24729269, 17719744, 15235020, 17924331, 18951446, 23056176, 10923033, 22516946, 16267036, 25011685, 15385441)

Women's Health and Genetics/Laboratory Corporation of America, LabCorp
Classification: Benign. Last evaluated: 2020-11-23. Review status: criteria provided, single submitter. Criteria: LabCorp Variant Classification Summary - May 2015. Collection method: clinical testing. Allele origin: germline. Not counted in ClinVar's aggregate classification.
Comment: Variant summary: BRCA1 c.2773A>C (p.Ile925Leu) results in a conservative amino acid change in the encoded protein sequence. Five of five in-silico tools predict a benign effect of the variant on protein function. The variant allele was found at a frequency of 7.6e-05 in 251016 control chromosomes, predominantly at a frequency of 0.001 within the African or African-American subpopulation in the gnomAD database. This frequency is not significantly higher than expected for a pathogenic variant in BRCA1 causing Hereditary Breast And Ovarian Cancer Syndrome (7.6e-05 vs 0.001), allowing no conclusion about variant significance. c.2773A>C has been reported in the literature in individuals affected with breast cancer and prostate cancer (example, Biunno_2014, Judkins_2005, Leongamornlert_2012). These report(s) do not provide unequivocal conclusions about association of the variant with Hereditary Breast And Ovarian Cancer Syndrome. Multifactorial probability models have reported a neutral outcome (example, Easton_2007, Lindor_2012). At-least one co-occurrence with another pathogenic variant has been observed in our laboratory (BRCA1 c.1386delG, p.Thr464fs), providing supporting evidence for a benign role. To our knowledge, no experimental evidence demonstrating an impact on protein function has been reported. Six clinical diagnostic laboratories and one expert panel (ENIGMA) have submitted clinical-significance assessments for this variant to ClinVar after 2014 without evidence for independent evaluation. All submitters classified the variant as benign/likely benign. Based on the evidence outlined above, the variant was classified as benign.

Baylor Genetics
Classification: Benign for Familial cancer of breast. Last evaluated: 2017-02-23. Review status: criteria provided, single submitter. Criteria: ACMG Guidelines, 2015. Collection method: clinical testing. Allele origin: germline. Inheritance: Autosomal dominant inheritance. Affected: no. Not counted in ClinVar's aggregate classification.

Color Diagnostics, LLC DBA Color Health
Classification: Likely benign for Hereditary cancer-predisposing syndrome. Last evaluated: 2016-05-16. Review status: criteria provided, single submitter. Criteria: ACMG Guidelines, 2015. Collection method: clinical testing. Allele origin: germline. Not counted in ClinVar's aggregate classification.

Ambry Genetics
Classification: Benign for Hereditary cancer-predisposing syndrome. Last evaluated: 2014-11-18. Review status: criteria provided, single submitter. Criteria: Ambry Variant Classification Scheme 2023. Collection method: clinical testing. Allele origin: germline. Not counted in ClinVar's aggregate classification.

PreventionGenetics, part of Exact Sciences
Classification: Benign for BRCA1-related condition. Last evaluated: 2019-03-01. Review status: no assertion criteria provided. Collection method: clinical testing. Allele origin: germline. Not counted in ClinVar's aggregate classification.
Comment: This variant is classified as benign based on ACMG/AMP sequence variant interpretation guidelines (Richards et al. 2015 PMID: 25741868, with internal and published modifications).

Counsyl
Classification: Benign for Breast-ovarian cancer, familial, susceptibility to, 1. Last evaluated: 2016-04-13. Review status: no assertion criteria provided. Collection method: clinical testing. Allele origin: unknown. Not counted in ClinVar's aggregate classification.

ITMI
No classification provided. Condition: AllHighlyPenetrant. Last evaluated: 2013-09-19. Review status: no classification provided. Collection method: reference population. Allele origin: germline. Not counted in ClinVar's aggregate classification.
Comment: Please see associated publication for description of ethnicities

Sharing Clinical Reports Project (SCRP)
Classification: Likely benign for Breast-ovarian cancer, familial 1. Last evaluated: 2006-06-20. Review status: no assertion criteria provided. Collection method: clinical testing. Allele origin: germline. Not counted in ClinVar's aggregate classification.

Breast Cancer Information Core (BIC) (BRCA1)
Classification: Uncertain significance for Breast-ovarian cancer, familial 1. Last evaluated: 2004-02-20. Review status: no assertion criteria provided. Collection method: clinical testing. Allele origin: germline. Affected: yes. Observed: 4 variant alleles. Not counted in ClinVar's aggregate classification.

Department of Pathology and Laboratory Medicine, Sinai Health System
Classification: Likely benign for Malignant tumor of breast. Review status: no assertion criteria provided. Collection method: clinical testing. Allele origin: unknown. Affected: yes. Study: The Canadian Open Genetics Repository (COGR). Not counted in ClinVar's aggregate classification.
Comment: The variant was also identified in dbSNP (ID: rs rs4986847, with a minor allele frequency of 0.0002 (1000 Genomes Project); NHLBI Exome Sequencing Project (Exome Variant Server) in 4 of 4406 African Americans and 0 of 8600 European Americans; Exome Aggregation Consortium (ExAC) database in 12 of 10402 Africans and 1 of 11564 Latino, and not found in European (Non-Finnish),East Asian, South Asian, European (Finnish) or other populations, increasing the likelihood that this may be a low frequency benign variant in certain populations of origin. The variant was also identified in HGMD, the ClinVar database (classified as a Likely Benign variant by the Sharing Clinical Reports Project, derived from Myriad reports; as likely Benign by GeneDX; as uncertain significance by BIC; as Benign by Ambry Genitics; ITMI and Invitae did not provide a classification). In the BIC database it was identified 4X with unknown clinical importance, and UMD (2X as an unknown variant). The p.Ile925 residue is not conserved in mammals and computational analyses (PolyPhen-2, SIFT, AlignGVGD, BLOSUM, MutationTaster) do not suggest a high likelihood of impact to the protein. However, this information is not predictive enough to rule out pathogenicity. The p.Ile925Leu variant occurs outside of the splicing consensus sequence and in silico or computational prediction software programs (SpliceSiteFinder, MaxEntScan, NNSPLICE, GeneSplicer, HumanSpliceFinder) do not predict a difference in splicing. In summary, based on the above information, the clinical significance of this variant cannot be determined with certainty at this time although we would lean towards a more benign role for this variant. This variant is classified as predicted benign.

Literature cited by the submitters: PubMed 21990134 (cited by Evidence-based Network for the Interpretation of Germline Mutant Alleles (ENIGMA) and Women's Health and Genetics/Laboratory Corporation of America, LabCorp); PubMed 24729269 (cited by Sema4 and Women's Health and Genetics/Laboratory Corporation of America, LabCorp); PubMed 22516946 (cited by Sema4 and Women's Health and Genetics/Laboratory Corporation of America, LabCorp); PubMed 16267036 (cited by Women's Health and Genetics/Laboratory Corporation of America, LabCorp); PubMed 16518693 (cited by Women's Health and Genetics/Laboratory Corporation of America, LabCorp); PubMed 15385441 (cited by Women's Health and Genetics/Laboratory Corporation of America, LabCorp); PubMed 15235020 (cited by Women's Health and Genetics/Laboratory Corporation of America, LabCorp); PubMed 17924331 (cited by Women's Health and Genetics/Laboratory Corporation of America, LabCorp); PubMed 22753008 (cited by Women's Health and Genetics/Laboratory Corporation of America, LabCorp); PubMed 17719744 (cited by Women's Health and Genetics/Laboratory Corporation of America, LabCorp); PubMed 25011685 (cited by Women's Health and Genetics/Laboratory Corporation of America, LabCorp); PubMed 24853695 (cited by Women's Health and Genetics/Laboratory Corporation of America, LabCorp); PubMed 24728327 (cited by ITMI).

NM_007294.4(BRCA1):c.2773A>C (p.Ile925Leu)

Gene: BRCA1 (BRCA1 DNA repair associated; minus strand). Cytogenetic location: 17q21.31.
Variant type: single nucleotide variant.
Coding change: c.2773A>C on transcript NM_007294.4 (MANE Select); coding-DNA position 2773, A replaced by C.
Protein change: p.Ile925Leu; replaces isoleucine 925 with leucine.
Molecular consequence: missense variant. On other transcripts: intron variant (137).
Genome position (GRCh38, 1-based): chr17:43,092,758, T>G on the plus strand (A>C on the coding strand, the complement: BRCA1 is on the minus strand). VCF-style: chr17-43092758-T-G. GRCh37 (hg19) VCF-style: chr17-41244775-T-G.
Other names: p.I925L:ATC>CTC; 2892A>C; c.2773A>C, p.Ile925Leu (NM_001407622.1, NM_001407623.1, NM_001407624.1 and 30 more transcripts); c.2770A>C, p.Ile924Leu (NM_001407627.1, NM_001407628.1, NM_001407629.1 and 22 more transcripts); c.2764A>C, p.Ile922Leu (NM_001407646.1, NM_001407647.1); c.2650A>C, p.Ile884Leu (NM_001407648.1, NM_001407664.1, NM_001407665.1 and 19 more transcripts); c.2647A>C, p.Ile883Leu (NM_001407649.1, NM_001407670.1, NM_001407671.1 and 11 more transcripts); c.2695A>C, p.Ile899Leu (NM_001407653.1, NM_001407654.1, NM_001407655.1 and 4 more transcripts); and 43 more; short protein forms I925L, I878L, I629L, I798L, I837L, I883L, I898L, I922L.
Identifiers: ClinVar variation 37489 (VCV000037489.26), dbSNP rs4986847, ClinGen allele CA001825.
Genomic context (GRCh38, chr17:43,092,758, plus strand): 5'-TACATTTGGCATTATCAACTGGCTTATCTTTCTGACCAACCACAGGAAAGCCTGCAGTGA[T>G]ATTAACTGTCTGTACAGGCTTGATATTAGACTCATTCTTTCCTTGATTTTCTTCCTTTTG-3'
Protein context (NP_009225.1, residues 915-935): SNIKPVQTVN[Ile925Leu]TAGFPVVGQK